The following is an entry in ClinVar:

ClinVar aggregate classification (germline): Likely benign. Review status: criteria provided, multiple submitters, no conflicts (2 of 4 stars). 2 submissions from 2 submitters: Likely benign (2). Last evaluated 2024-10-27.

Conditions:
CRYM-related disorder. Also called: CRYM-related condition.

Submissions (2):

PreventionGenetics, part of Exact Sciences
Classification: Likely benign for CRYM-related condition. Last evaluated: 2024-10-27. Review status: criteria provided, single submitter. Criteria: ACMG Guidelines, 2015. Collection method: clinical testing. Allele origin: germline.
Comment: This variant is classified as likely benign based on ACMG/AMP sequence variant interpretation guidelines (Richards et al. 2015 PMID: 25741868, with internal and published modifications).

GeneDx
Classification: Likely benign. Last evaluated: 2021-01-20. Review status: criteria provided, single submitter. Criteria: GeneDx Variant Classification Process June 2021. Collection method: clinical testing. Allele origin: germline. Affected: yes.

NM_001376256.1(CRYM):c.489+9A>G

Gene: CRYM (crystallin mu; minus strand). Cytogenetic location: 16p12.2.
Variant type: single nucleotide variant.
Coding change: c.489+9A>G on transcript NM_001376256.1 (MANE Select); 9 bases into the intron after coding-DNA position 489, A replaced by G.
Molecular consequence: intron variant.
Genome position (GRCh38, 1-based): chr16:21,269,781, T>C on the plus strand (A>G on the coding strand, the complement: CRYM is on the minus strand). VCF-style: chr16-21269781-T-C. GRCh37 (hg19) VCF-style: chr16-21281102-T-C.
Other names: c.489+9A>G (NM_001888.5).
Identifiers: ClinVar variation 508135 (VCV000508135.5), dbSNP rs1268420982, ClinGen allele CA621282254.